The following is an entry in ClinVar:

ClinVar aggregate classification (germline): Pathogenic (1 of 4 stars; one submission).

Submission:

Labcorp Genetics (formerly Invitae), Labcorp
Classification: Pathogenic. Last evaluated: 2022-06-13. Review status: criteria provided, single submitter. Criteria: Invitae Variant Classification Sherloc (09022015). Collection method: clinical testing. Allele origin: germline.
Comment: For these reasons, this variant has been classified as Pathogenic. This variant disrupts a region of the ABCC8 protein in which other variant(s) (p.Arg1538*) have been determined to be pathogenic (Invitae). This suggests that this is a clinically significant region of the protein, and that variants that disrupt it are likely to be disease-causing. This variant has not been reported in the literature in individuals affected with ABCC8-related conditions. This variant is not present in population databases (gnomAD no frequency). This sequence change creates a premature translational stop signal (p.Arg1530Alafs*14) in the ABCC8 gene. While this is not anticipated to result in nonsense mediated decay, it is expected to disrupt the last 52 amino acid(s) of the ABCC8 protein.

NM_000352.6(ABCC8):c.4588del (p.Arg1530fs)

Gene: ABCC8 (ATP binding cassette subfamily C member 8; minus strand). Cytogenetic location: 11p15.1.
Variant type: Deletion.
Coding change: c.4588del on transcript NM_000352.6 (MANE Select); coding-DNA position 4588, one base deleted (C; older notation c.4588delC).
Protein change: p.Arg1530fs; shifts the reading frame from arginine 1530.
Molecular consequence: frameshift variant. On other transcripts: non-coding transcript variant (1).
Genome position (GRCh38, 1-based): chr11:17,393,717, G deleted on the plus strand (C on the coding strand, the reverse complement: ABCC8 is on the minus strand); the first of 2 consecutive G bases (chr11:17,393,717-17,393,718); deleting either gives the same sequence. VCF-style (leftmost placement, unchanged base first): chr11-17393716-CG-C. GRCh37 (hg19) VCF-style: chr11-17415263-CG-C.
Other names: c.4591del, p.Arg1531fs (NM_001287174.3); c.4654del, p.Arg1552fs (NM_001351295.2); c.4588del, p.Arg1530fs (NM_001351296.2); c.4585del, p.Arg1529fs (NM_001351297.2); short protein forms R1529fs, R1531fs, R1552fs, R1530fs.
Identifiers: ClinVar variation 1445163 (VCV001445163.6), dbSNP rs2133393098, ClinGen allele CA2573146243.
Genomic context (GRCh38, chr11:17,393,716, plus strand): 5'-TCCCTGGGTGTCCCTCTGCACCCCATCAATGGGCCCCTTACCGCGATGGTGACCACAGTG[CG>C]GTCTGCGAAGGCTGTCATCACCACCTTTTGGAGGATGTTTTCCTGCCAAGTGGGGGCAAC-3'